The following is an entry in ClinVar:

ClinVar aggregate classification (germline): Uncertain significance (1 of 4 stars; one submission).

Conditions:
COX20-related disorder. Also called: COX20-related condition.

Allele frequency attached by ClinVar (database versions not stated): ExAC 0.00001.

Submission:

PreventionGenetics, part of Exact Sciences
Classification: Uncertain significance for COX20-related condition. Last evaluated: 2023-01-31. Review status: criteria provided, single submitter. Criteria: ACMG Guidelines, 2015. Collection method: clinical testing. Allele origin: germline.
Comment: The COX20 c.157+6dupT variant is predicted to result in an intronic duplication. This variant is predicted to have a minor defect on splicing at the consensus splice site based on splicing prediction programs (Alamut Visual Plus v.1.6.1). However, these prediction programs are not equivalent to functional evidence. To our knowledge, this variant has not been reported in the literature. However, adjacent intronic variants (c.157+3G>C and c.157+7A>G) have been reported in the compound heterozygous state with the COX20 c.41A>G (p.Lys14Arg) in patients with sensory neuronopathy (Otero et al. 2019. PubMed ID: 30656193; Dong et al. 2021. PubMed ID: 33751098). This variant is reported in 0.0055% of alleles in individuals of East Asian descent in gnomAD. At this time, the clinical significance of this variant is uncertain due to the absence of conclusive functional and genetic evidence.

NM_198076.6(COX20):c.157+6dup

Gene: COX20 (cytochrome c oxidase assembly factor COX20; plus strand). Cytogenetic location: 1q44.
Variant type: Duplication.
Coding change: c.157+6dup on transcript NM_198076.6 (MANE Select); 6 bases into the intron after coding-DNA position 157, one base duplicated (T; older notation c.157+6dupT).
Molecular consequence: intron variant.
Genome position (GRCh38, 1-based): chr1:244,842,064, T duplicated. VCF-style (leftmost placement, unchanged base first): chr1-244842063-G-GT. GRCh37 (hg19) VCF-style: chr1-245005365-G-GT.
Other names: c.157+6dup (NM_001312871.1, NM_001312874.1); c.193+6dup (NM_001312872.1); c.23-131dup (NM_001312873.1).
Identifiers: ClinVar variation 2636873 (VCV002636873.1), dbSNP rs761105891, ClinGen allele CA1486103.
Genomic context (GRCh38, chr1:244,842,063, plus strand): 5'-ATTGTATGGTTCATTAGGATCTGTTGTGGCTGGCTTTGGACATTTTTTGTTCACTAGTGA[G>GT]TATCTGTATTTTTTATTTCTCTATGTACTAAAAAAAGCATTTCTCTACATAATGAACTAT-3'